The following is an entry in ClinVar:

ClinVar aggregate classification (germline): Benign (1 of 4 stars; one submission).

Allele frequency attached by ClinVar (database versions not stated): 1000 Genomes Project 30x 0.42442; 1000 Genomes Project 0.44309; TOPMed 0.47609; gnomAD 0.48758 and 0.49028.

Submission:

GeneDx
Classification: Benign. Last evaluated: 2018-06-14. Review status: criteria provided, single submitter. Criteria: GeneDx Variant Classification (06012015). Collection method: clinical testing. Allele origin: germline. Affected: yes.
Comment: This variant is considered likely benign or benign based on one or more of the following criteria: it is a conservative change, it occurs at a poorly conserved position in the protein, it is predicted to be benign by multiple in silico algorithms, and/or has population frequency not consistent with disease.

NM_001025295.3(IFITM5):c.186+214C>G

Gene: IFITM5 (interferon induced transmembrane protein 5; minus strand). Cytogenetic location: 11p15.5.
Variant type: single nucleotide variant.
Coding change: c.186+214C>G on transcript NM_001025295.3 (MANE Select); 214 bases into the intron after coding-DNA position 186, C replaced by G.
Molecular consequence: intron variant.
Genome position (GRCh38, 1-based): chr11:299,091, G>C on the plus strand (C>G on the coding strand, the complement: IFITM5 is on the minus strand). VCF-style: chr11-299091-G-C. GRCh37 (hg19) VCF-style: chr11-299091-G-C.
Identifiers: ClinVar variation 669653 (VCV000669653.1), dbSNP rs4758636, ClinGen allele CA13435243.